The following is an entry in ClinVar:

NM_001136191.3(KANK2):c.2043C>T (p.Pro681=)

Gene: KANK2 (KN motif and ankyrin repeat domains 2; minus strand). Cytogenetic location: 19p13.2.
Variant type: single nucleotide variant.
Coding change: c.2043C>T on transcript NM_001136191.3 (MANE Select); coding-DNA position 2043, C replaced by T.
Protein change: p.Pro681=; no amino-acid change (proline 681 retained).
Molecular consequence: synonymous variant.
Genome position (GRCh38, 1-based): chr19:11,174,498, G>A on the plus strand (C>T on the coding strand, the complement: KANK2 is on the minus strand). VCF-style: chr19-11174498-G-A. GRCh37 (hg19) VCF-style: chr19-11285174-G-A.
Other names: c.2043C>T, p.Pro681= (NM_001329451.2, NM_001379555.1, NM_001379556.1 and 7 more transcripts); c.2067C>T, p.Pro689= (NM_001379548.1, NM_001379549.1, NM_001379550.1 and 5 more transcripts); c.2067C>T (NM_015493.6).
Identifiers: ClinVar variation 2414934 (VCV002414934.10), dbSNP rs112949085, ClinGen allele CA9205422.

ClinVar aggregate classification (germline): Likely benign. Review status: criteria provided, multiple submitters, no conflicts (2 of 4 stars). 3 submissions from 3 submitters: Likely benign (2). 1 of the submissions does not count toward it. Last evaluated 2025-07-29.

Conditions:
KANK2-related disorder. Also called: KANK2-related condition.

Allele frequency attached by ClinVar (database versions not stated): TOPMed 0.00007; ExAC 0.00018; gnomAD 0.00019; 1000 Genomes Project 30x 0.00125; 1000 Genomes Project 0.00160.
gnomAD v4.1: 152 of 1,612,390 alleles (0.0094%); highest among the groups gnomAD compares: Middle Eastern, 0.083%; 1 homozygote.

Submissions (3):

Labcorp Genetics (formerly Invitae), Labcorp
Classification: Likely benign. Last evaluated: 2025-07-29. Review status: criteria provided, single submitter. Criteria: Invitae Variant Classification Sherloc (09022015). Collection method: clinical testing. Allele origin: germline.

Blueprint Genetics
Classification: Likely benign. Last evaluated: 2024-10-28. Review status: criteria provided, single submitter. Criteria: ACMG Guidelines, 2015. Collection method: clinical testing. Allele origin: germline.

PreventionGenetics, part of Exact Sciences
Classification: Likely benign for KANK2-related condition. Last evaluated: 2019-10-28. Review status: no assertion criteria provided. Collection method: clinical testing. Allele origin: germline. Not counted in ClinVar's aggregate classification.
Comment: This variant is classified as likely benign based on ACMG/AMP sequence variant interpretation guidelines (Richards et al. 2015 PMID: 25741868, with internal and published modifications).